The following is an entry in ClinVar:

ClinVar aggregate classification (germline): Uncertain significance. Review status: criteria provided, multiple submitters, no conflicts (2 of 4 stars). 2 submissions from 2 submitters: Uncertain significance (2). Last evaluated 2024-05-30.

Conditions:
RYR1-related disorder. Also called: RYR1-related disorders; RYR1-related condition. Identifiers: MedGen CN239331.
Malignant hyperthermia, susceptibility to, 1 (MHS1). Also called: Anesthesia related hyperthermia; Malignant hyperpyrexia; Fulminating hyperpyrexia; Pharmacogenic myopathy; RYR1-Related Malignant Hyperthermia Susceptibility; Malignant hyperthermia suceptibility 1. Identifiers: Orphanet 423, MedGen C2930980, MONDO:0007783, OMIM 145600.

gnomAD v4.1: 3 of 1,609,848 alleles (0.00019%); highest among the groups gnomAD compares: Non-Finnish European, 0.00025%; no homozygotes.

Submissions (2):

All of Us Research Program, National Institutes of Health
Classification: Uncertain significance for Malignant hyperthermia, susceptibility to, 1. Last evaluated: 2024-05-30. Review status: criteria provided, single submitter. Criteria: ACMG Guidelines, 2015. Collection method: clinical testing. Allele origin: germline. Inheritance: Autosomal dominant inheritance. Observed: 5 variant alleles, 5 heterozygotes.
Comment: This variant causes a C to A nucleotide substitution at the -5 position of intron 48 of the RYR1 gene. To our knowledge, functional studies have not been reported for this variant. This variant has not been reported in individuals affected with RYR1-related disorders in the literature. This variant has not been identified in the general population by the Genome Aggregation Database (gnomAD). The available evidence is insufficient to determine the role of this variant in disease conclusively. Therefore, this variant is classified as a Variant of Uncertain Significance.

This study involves interpretation of variants in research participants for the purpose of population health screening. Participant phenotype was not available at the time of variant classification. Additional details can be found in publication PMID: 35346344, PMCID: PMC8962531

Labcorp Genetics (formerly Invitae), Labcorp
Classification: Uncertain significance for RYR1-related disorder. Last evaluated: 2021-11-30. Review status: criteria provided, single submitter. Criteria: Invitae Variant Classification Sherloc (09022015). Collection method: clinical testing. Allele origin: germline.
Comment: This sequence change falls in intron 48 of the RYR1 gene. It does not directly change the encoded amino acid sequence of the RYR1 protein. This variant is not present in population databases (gnomAD no frequency). This variant has not been reported in the literature in individuals affected with RYR1-related conditions. ClinVar contains an entry for this variant (Variation ID: 1051474). Algorithms developed to predict the effect of sequence changes on RNA splicing suggest that this variant may disrupt the consensus splice site. In summary, the available evidence is currently insufficient to determine the role of this variant in disease. Therefore, it has been classified as a Variant of Uncertain Significance.

NM_000540.3(RYR1):c.7836-5C>A

Gene: RYR1 (ryanodine receptor 1; plus strand). Cytogenetic location: 19q13.2.
Variant type: single nucleotide variant.
Coding change: c.7836-5C>A on transcript NM_000540.3 (MANE Select); 5 bases into the intron before coding-DNA position 7836, C replaced by A.
Molecular consequence: intron variant.
Genome position (GRCh38, 1-based): chr19:38,502,875, C>A. VCF-style: chr19-38502875-C-A. GRCh37 (hg19) VCF-style: chr19-38993515-C-A.
Other names: c.7836-5C>A (NM_001042723.2).
Identifiers: ClinVar variation 1051474 (VCV001051474.6), dbSNP rs1301933255, ClinGen allele CA2499225471.